The following is an entry in ClinVar:

NM_001365951.3(KIF1B):c.421T>C (p.Ser141Pro)

Genes: KIF1B (kinesin family member 1B; plus strand), LOC129388447 (MPRA-validated peak65 silencer; plus strand). Cytogenetic location: 1p36.22.
Variant type: single nucleotide variant.
Coding change: c.421T>C on transcript NM_001365951.3 (MANE Select); coding-DNA position 421, T replaced by C.
Protein change: p.Ser141Pro; replaces serine 141 with proline.
Molecular consequence: missense variant.
Genome position (GRCh38, 1-based): chr1:10,261,962, T>C. VCF-style: chr1-10261962-T-C. GRCh37 (hg19) VCF-style: chr1-10322020-T-C.
Other names: c.421T>C, p.Ser141Pro (NM_001365952.1, NM_001365953.1, NM_015074.3 and 1 more transcripts); short protein forms S141P.
Identifiers: ClinVar variation 3226493 (VCV003226493.1), dbSNP rs2520967787, ClinGen allele CA338327199.
Genomic context (GRCh38, chr1:10,261,962, plus strand): 5'-TAGTTATGTGAAGAACTTTTTGAGAAAATCAATGACAACTGTAATGAAGAAATGTCTTAC[T>C]CTGTAGAGGTGAGTACAGCCGTGAGTTGACACCGTAAGCCCTTGTTTTCCATTCTCTCAA-3'
Protein context (NP_001352880.1, residues 131-151): NDNCNEEMSY[Ser141Pro]VEVSYMEIYC

ClinVar aggregate classification (germline): Uncertain significance (1 of 4 stars; one submission).

Allele frequency attached by ClinVar (database versions not stated): gnomAD exomes below 0.00001.
gnomAD v4.1: 1 of 1,609,434 alleles (0.000062%); highest among the groups gnomAD compares: Admixed American, 0.0017%; no homozygotes.

Submission:

Ambry Genetics
Classification: Uncertain significance. Last evaluated: 2024-01-13. Review status: criteria provided, single submitter. Criteria: Ambry Variant Classification Scheme 2023. Collection method: clinical testing. Allele origin: germline.
Comment: The p.S141P variant (also known as c.421T>C), located in coding exon 4 of the KIF1B gene, results from a T to C substitution at nucleotide position 421. The serine at codon 141 is replaced by proline, an amino acid with similar properties. This amino acid position is conserved. In addition, this alteration is predicted to be deleterious by in silico analysis. Since supporting evidence is limited at this time, the clinical significance of this alteration remains unclear.